The following is an entry in ClinVar:

NM_020774.4(MIB1):c.2586+1G>A

Gene: MIB1 (MIB E3 ubiquitin protein ligase 1; plus strand). Cytogenetic location: 18q11.2.
Variant type: single nucleotide variant.
Coding change: c.2586+1G>A on transcript NM_020774.4 (MANE Select); the canonical splice donor site of the intron after coding-DNA position 2586, G replaced by A.
Molecular consequence: splice donor variant.
Genome position (GRCh38, 1-based): chr18:21,849,389, G>A. VCF-style: chr18-21849389-G-A. GRCh37 (hg19) VCF-style: chr18-19429350-G-A.
Identifiers: ClinVar variation 3061227 (VCV003061227.2), dbSNP rs1215471951, ClinGen allele CA401796506.
Genomic context (GRCh38, chr18:21,849,389, plus strand): 5'-TGTTCTCCACGTGTCAAGAAATGCCTCATCTGTAAAGAACAGGTTCAATCCAGGACAAAG[G>A]TAAGATATATTTAATATAGTATTTTGTCATTTTATGAAGTTGAGACTAGAATTAATGATA-3'

ClinVar aggregate classification (germline): Uncertain significance (0 of 4 stars; one submission).

Conditions:
MIB1-related disorder. Also called: MIB1-related condition.

Allele frequency attached by ClinVar (database versions not stated): gnomAD 0.00001; TOPMed 0.00001.
gnomAD v4.1: 4 of 1,570,462 alleles (0.00025%); highest among the groups gnomAD compares: Non-Finnish European, 0.00035%; no homozygotes.

Submission:

PreventionGenetics, part of Exact Sciences
Classification: Uncertain significance for MIB1-related condition. Last evaluated: 2024-02-24. Review status: no assertion criteria provided. Collection method: clinical testing. Allele origin: germline.
Comment: The MIB1 c.2586+1G>A variant is predicted to disrupt the GT donor site and interfere with normal splicing. To our knowledge, this variant has not been reported in the literature. This variant is reported in 0.00082% of alleles in individuals of European (Non-Finnish) descent in gnomAD. Currently the clinical significance of loss-of-function variants in MIB1 is uncertain. Although we suspect that this variant may be pathogenic, at this time, the clinical significance of this variant is uncertain due to the absence of conclusive functional and genetic evidence.